The following is an entry in ClinVar:

ClinVar aggregate classification (germline): Likely benign (0 of 4 stars; one submission).

Conditions:
PTPRS-related disorder. Also called: PTPRS-related condition.

Allele frequency attached by ClinVar (database versions not stated): ESP Exome Variant Server 0.00028; 1000 Genomes Project 0.00040; 1000 Genomes Project 30x 0.00047.
gnomAD v4.1: 406 of 1,558,226 alleles (0.026%); highest among the groups gnomAD compares: African/African-American, 0.049%; no homozygotes.

Submission:

PreventionGenetics, part of Exact Sciences
Classification: Likely benign for PTPRS-related condition. Last evaluated: 2019-09-11. Review status: no assertion criteria provided. Collection method: clinical testing. Allele origin: germline.
Comment: This variant is classified as likely benign based on ACMG/AMP sequence variant interpretation guidelines (Richards et al. 2015 PMID: 25741868, with internal and published modifications).

NM_002850.4(PTPRS):c.2859C>T (p.Pro953=)

Gene: PTPRS (protein tyrosine phosphatase receptor type S; minus strand). Cytogenetic location: 19p13.3.
Variant type: single nucleotide variant.
Coding change: c.2859C>T on transcript NM_002850.4 (MANE Select); coding-DNA position 2859, C replaced by T.
Protein change: p.Pro953=; no amino-acid change (proline 953 retained).
Molecular consequence: synonymous variant. On other transcripts: intron variant (2).
Genome position (GRCh38, 1-based): chr19:5,222,933, G>A on the plus strand (C>T on the coding strand, the complement: PTPRS is on the minus strand). VCF-style: chr19-5222933-G-A. GRCh37 (hg19) VCF-style: chr19-5222944-G-A.
Other names: c.2793C>T, p.Pro931= (NM_001394011.1, NM_001394013.1, NM_130854.3); c.2820C>T, p.Pro940= (NM_001394012.1); c.1811-713C>T (NM_130853.3); c.1823-713C>T (NM_130855.3).
Identifiers: ClinVar variation 3039779 (VCV003039779.2), dbSNP rs369479434, ClinGen allele CA9109832.